The following is an entry in ClinVar:

NM_017890.5(VPS13B):c.4238T>A (p.Leu1413Ter)

Gene: VPS13B (vacuolar protein sorting 13 homolog B; plus strand). Cytogenetic location: 8q22.2.
Variant type: single nucleotide variant.
Coding change: c.4238T>A on transcript NM_017890.5 (MANE Plus Clinical); coding-DNA position 4238, T replaced by A.
Protein change: p.Leu1413Ter; replaces leucine 1413 with a stop codon.
Molecular consequence: nonsense. On other transcripts: intron variant (1).
Genome position (GRCh38, 1-based): chr8:99,507,850, T>A. VCF-style: chr8-99507850-T-A. GRCh37 (hg19) VCF-style: chr8-100520078-T-A.
Other names: c.4224+647T>A (NM_152564.5); short protein forms L1413*.
Identifiers: ClinVar variation 371573 (VCV000371573.14), dbSNP rs765998879, ClinGen allele CA4823474.
Genomic context (GRCh38, chr8:99,507,850, plus strand): 5'-CTTTGGGGCAATGTGGAGGTGTCTTCCTTTCCTGTACTGACAAGCTGAACAGACGCACCT[T>A]GTTGGTTCGACCCATCAGCAAGCAGGACCCTTTCAGTAATTGCTCTGGCTTCTTTCCTTC-3'

ClinVar aggregate classification (germline): Pathogenic/Likely pathogenic. Review status: criteria provided, multiple submitters, no conflicts (2 of 4 stars). 7 submissions from 7 submitters: Pathogenic (1); Likely pathogenic (4). 2 of the submissions do not count toward it. Last evaluated 2026-10-20.

Conditions:
VPS13B-related disorder. Also called: VPS13B-related condition.
Cohen syndrome (COH1). Also called: PEPPER SYNDROME; Cutis verticis gyrata, retinitis pigmentosa, and sensorineural deafness. Identifiers: Orphanet 193, MedGen C0265223, MONDO:0008999, OMIM 216550.

Allele frequency attached by ClinVar (database versions not stated): ExAC 0.00001; TOPMed 0.00002; gnomAD 0.00001; gnomAD exomes 0.00001.
gnomAD v4.1: 4 of 1,614,002 alleles (0.00025%); highest among the groups gnomAD compares: Admixed American, 0.0067%; no homozygotes.

Submissions (7):

GeneDx
Classification: Likely pathogenic. Last evaluated: 2026-10-20. Review status: criteria provided, single submitter. Criteria: GeneDx Variant Classification Process June 2021. Collection method: clinical testing. Allele origin: germline.
Comment: Nonsense variant predicted to result in protein truncation or nonsense mediated decay in a gene for which loss of function is a known mechanism of disease; Not observed at significant frequency in large population cohorts (gnomAD); Has not been previously published as pathogenic or benign to our knowledge

Labcorp Genetics (formerly Invitae), Labcorp
Classification: Pathogenic for Cohen syndrome. Last evaluated: 2025-08-06. Review status: criteria provided, single submitter. Criteria: Invitae Variant Classification Sherloc (09022015). Collection method: clinical testing. Allele origin: germline.
Comment: This sequence change creates a premature translational stop signal (p.Leu1413*) in the VPS13B gene. It is expected to result in an absent or disrupted protein product. Loss-of-function variants in VPS13B are known to be pathogenic (PMID: 15141358, 16648375, 20461111). This variant is present in population databases (rs765998879, gnomAD 0.01%). This variant has not been reported in the literature in individuals affected with VPS13B-related conditions. ClinVar contains an entry for this variant (Variation ID: 371573). Algorithms developed to predict the effect of sequence changes on RNA splicing suggest that this variant may disrupt the consensus splice site. For these reasons, this variant has been classified as Pathogenic.

Variantyx, Inc.
Classification: Likely pathogenic for Cohen syndrome. Last evaluated: 2025-03-23. Review status: criteria provided, single submitter. Criteria: Variantyx Assertion Criteria 2022. Collection method: clinical testing. Allele origin: paternal.
Comment: This is a nonsense variant in the VPS13B gene (OMIM: 607817). Pathogenic variants in this gene have been associated with autosomal recessive Cohen syndrome. This variant introduces a premature termination codon in exon 28 out of 62. It is expected to result in loss of function, which is a known disease mechanism for VPS13B in this disorder (PMID: 21865173) (PVS1). This variant has a 0.0068% maximum allele frequency in non-founder control populations (PM2_Supporting). Based on the current evidence, this variant is classified as likely pathogenic for autosomal recessive Cohen syndrome.

Natera, Inc.
Classification: Likely pathogenic for Cohen syndrome. Last evaluated: 2025-02-10. Review status: criteria provided, single submitter. Criteria: Natera Variant Classification Schema (03/2026). Collection method: clinical testing. Allele origin: germline.
Comment: The c.4238T>A variant in VPS13B is a nonsense variant predicted to introduce a stop codon at amino acid 1413. This variant is expected to result in nonsense mediated decay, truncation, or a dysfunctional protein product. This variant is rare in the general population with a frequency below the threshold expected for the associated phenotype(s). Given the available evidence, this variant is classified as Likely Pathogenic.

Women's Health and Genetics/Laboratory Corporation of America, LabCorp
Classification: Likely pathogenic for Cohen syndrome. Last evaluated: 2022-04-14. Review status: criteria provided, single submitter. Criteria: LabCorp Variant Classification Summary - May 2015. Collection method: clinical testing. Allele origin: germline.
Comment: Variant summary: VPS13B c.4238T>A (p.Leu1413X) results in a premature termination codon, predicted to cause a truncation of the encoded protein or absence of the protein due to nonsense mediated decay, which are known mechanisms for disease. Truncations downstream of this position have been classified as pathogenic by our laboratory. The variant allele was found at a frequency of 1.2e-05 in 251332 control chromosomes (gnomAD). To our knowledge, no occurrence of c.4238T>A in individuals affected with Cohen Syndrome and no experimental evidence demonstrating its impact on protein function have been reported. Three ClinVar submitters have assessed the variant since 2014: two classified the variant as likely pathogenic and one as pathogenic. Based on the evidence outlined above, the variant was classified as likely pathogenic.

PreventionGenetics, part of Exact Sciences
Classification: Likely pathogenic for VPS13B-related condition. Last evaluated: 2024-05-17. Review status: no assertion criteria provided. Collection method: clinical testing. Allele origin: germline. Not counted in ClinVar's aggregate classification.
Comment: The VPS13B c.4238T>A variant is predicted to result in premature protein termination (p.Leu1413*). To our knowledge, this variant has not been reported in the literature. This variant is reported in 0.011% of alleles in individuals of Latino descent in gnomAD. Nonsense variants in VPS13B are expected to be pathogenic. This variant is interpreted as likely pathogenic.

Counsyl
Classification: Likely pathogenic for Cohen syndrome. Last evaluated: 2016-10-20. Review status: no assertion criteria provided. Collection method: clinical testing. Allele origin: unknown. Not counted in ClinVar's aggregate classification.

Literature cited by the submitters: PubMed 15141358 (cited by Labcorp Genetics (formerly Invitae), Labcorp); PubMed 16648375 (cited by Labcorp Genetics (formerly Invitae), Labcorp); PubMed 20461111 (cited by Labcorp Genetics (formerly Invitae), Labcorp); PubMed 19006247 (cited by Counsyl).